The following is an entry in ClinVar:

ClinVar aggregate classification (germline): Benign (0 of 4 stars; one submission).

Conditions:
THADA-related disorder. Also called: THADA-related condition.

Allele frequency attached by ClinVar (database versions not stated): ExAC 0.00209; gnomAD 0.00667; 1000 Genomes Project 30x 0.00703; 1000 Genomes Project 0.00719; TOPMed 0.00782; ESP Exome Variant Server 0.00798.
gnomAD v4.1: 2,050 of 1,612,906 alleles (0.13%); highest among the groups gnomAD compares: African/African-American, 2.5%; 25 homozygotes.

Submission:

PreventionGenetics, part of Exact Sciences
Classification: Benign for THADA-related condition. Last evaluated: 2019-02-18. Review status: no assertion criteria provided. Collection method: clinical testing. Allele origin: germline.
Comment: This variant is classified as benign based on ACMG/AMP sequence variant interpretation guidelines (Richards et al. 2015 PMID: 25741868, with internal and published modifications).

NM_022065.5(THADA):c.188A>G (p.Glu63Gly)

Gene: THADA (THADA armadillo repeat containing; minus strand). Cytogenetic location: 2p21.
Variant type: single nucleotide variant.
Coding change: c.188A>G on transcript NM_022065.5 (MANE Select); coding-DNA position 188, A replaced by G.
Protein change: p.Glu63Gly; replaces glutamic acid 63 with glycine.
Molecular consequence: missense variant. On other transcripts: non-coding transcript variant (2).
Genome position (GRCh38, 1-based): chr2:43,590,938, T>C on the plus strand (A>G on the coding strand, the complement: THADA is on the minus strand). VCF-style: chr2-43590938-T-C. GRCh37 (hg19) VCF-style: chr2-43818077-T-C.
Other names: c.188A>G, p.Glu63Gly (NM_001345923.2, NM_001345924.2, NM_001345925.2 and 3 more transcripts); c.-675A>G (NM_198554.1); short protein forms E63G.
Identifiers: ClinVar variation 3033781 (VCV003033781.2), dbSNP rs10210191, ClinGen allele CA1633721.